The following is an entry in ClinVar:

ClinVar aggregate classification (germline): Likely pathogenic (1 of 4 stars; one submission).

Submission:

Labcorp Genetics (formerly Invitae), Labcorp
Classification: Likely pathogenic. Last evaluated: 2024-07-24. Review status: criteria provided, single submitter. Criteria: Invitae Variant Classification Sherloc (09022015). Collection method: clinical testing. Allele origin: germline.
Comment: This sequence change affects an acceptor splice site in intron 43 of the OTOG gene. It is expected to disrupt RNA splicing. Variants that disrupt the donor or acceptor splice site typically lead to a loss of protein function (PMID: 16199547), and loss-of-function variants in OTOG are known to be pathogenic (PMID: 23122587). This variant is not present in population databases (gnomAD no frequency). This variant has not been reported in the literature in individuals affected with OTOG-related conditions. In summary, the currently available evidence indicates that the variant is pathogenic, but additional data are needed to prove that conclusively. Therefore, this variant has been classified as Likely Pathogenic.

Literature cited by the submitters: PubMed 16199547; PubMed 23122587.

NM_001292063.2(OTOG):c.7481-1G>A

Gene: OTOG (otogelin; plus strand). Cytogenetic location: 11p15.1.
Variant type: single nucleotide variant.
Coding change: c.7481-1G>A on transcript NM_001292063.2 (MANE Select); the canonical splice acceptor site of the intron before coding-DNA position 7481, G replaced by A.
Molecular consequence: splice acceptor variant.
Genome position (GRCh38, 1-based): chr11:17,634,843, G>A. VCF-style: chr11-17634843-G-A. GRCh37 (hg19) VCF-style: chr11-17656390-G-A.
Other names: c.7517-1G>A (NM_001277269.2).
Identifiers: ClinVar variation 3660539 (VCV003660539.2).
Genomic context (GRCh38, chr11:17,634,843, plus strand): 5'-ACTGGAGAGCAGTGGGGACATCCGGCCCCGAGGTGACAGGCCCTGTGGTCCCCGGGGCCA[G>A]TGTGTAACCAGACTCTGTGTGAGGGTCTCGCCCCCACATGCCGCCCAGGCCACCGCCTCC-3'